The following is an entry in ClinVar:

NM_006912.6(RIT1):c.589T>C (p.Ser197Pro)

Gene: RIT1 (Ras like without CAAX 1; minus strand). Cytogenetic location: 1q22.
Variant type: single nucleotide variant.
Coding change: c.589T>C on transcript NM_006912.6 (MANE Select); coding-DNA position 589, T replaced by C.
Protein change: p.Ser197Pro; replaces serine 197 with proline.
Molecular consequence: missense variant.
Genome position (GRCh38, 1-based): chr1:155,900,459, A>G on the plus strand (T>C on the coding strand, the complement: RIT1 is on the minus strand). VCF-style: chr1-155900459-A-G. GRCh37 (hg19) VCF-style: chr1-155870250-A-G.
Other names: c.481T>C, p.Ser161Pro (NM_001256820.2); c.640T>C, p.Ser214Pro (NM_001256821.2); c.589T>C (NM_006912.4); short protein forms S161P, S197P, S214P.
Identifiers: ClinVar variation 928483 (VCV000928483.9), dbSNP rs1673289658, ClinGen allele CA342800940.

ClinVar aggregate classification (germline): Uncertain significance. Review status: criteria provided, multiple submitters, no conflicts (2 of 4 stars). 5 submissions from 5 submitters: Uncertain significance (5). Last evaluated 2026-08-03.

Conditions:
Noonan syndrome 8 (NS8). Identifiers: Orphanet 648, MedGen C3809233, MONDO:0014143, OMIM 615355.
Cardiovascular phenotype. Identifiers: MedGen CN230736.

Allele frequency attached by ClinVar (database versions not stated): gnomAD exomes below 0.00001.

Submissions (5):

Ambry Genetics
Classification: Uncertain significance for Cardiovascular phenotype. Last evaluated: 2026-08-03. Review status: criteria provided, single submitter. Criteria: Ambry Variant Classification Scheme 2023. Collection method: clinical testing. Allele origin: germline.
Comment: The p.S197P variant (also known as c.589T>C), located in coding exon 5 of the RIT1 gene, results from a T to C substitution at nucleotide position 589. The serine at codon 197 is replaced by proline, an amino acid with similar properties. This amino acid position is conserved. In addition, this alteration is predicted to be tolerated by in silico analysis. Based on the available evidence, the clinical significance of this variant remains unclear.

GeneDx
Classification: Uncertain significance. Last evaluated: 2024-12-14. Review status: criteria provided, single submitter. Criteria: GeneDx Variant Classification Process June 2021. Collection method: clinical testing. Allele origin: germline. Affected: yes.
Comment: Not observed at significant frequency in large population cohorts (gnomAD); In silico analysis indicates that this missense variant does not alter protein structure/function; Has not been previously published as pathogenic or benign to our knowledge

Labcorp Genetics (formerly Invitae), Labcorp
Classification: Uncertain significance for Noonan syndrome 8. Last evaluated: 2024-08-13. Review status: criteria provided, single submitter. Criteria: Invitae Variant Classification Sherloc (09022015). Collection method: clinical testing. Allele origin: germline.
Comment: This sequence change replaces serine, which is neutral and polar, with proline, which is neutral and non-polar, at codon 197 of the RIT1 protein (p.Ser197Pro). This variant is not present in population databases (gnomAD no frequency). This variant has not been reported in the literature in individuals affected with RIT1-related conditions. ClinVar contains an entry for this variant (Variation ID: 928483). Advanced modeling of protein sequence and biophysical properties (such as structural, functional, and spatial information, amino acid conservation, physicochemical variation, residue mobility, and thermodynamic stability) performed at Invitae indicates that this missense variant is not expected to disrupt RIT1 protein function with a negative predictive value of 95%. In summary, the available evidence is currently insufficient to determine the role of this variant in disease. Therefore, it has been classified as a Variant of Uncertain Significance.

Genome-Nilou Lab
Classification: Uncertain significance for Noonan syndrome 8. Last evaluated: 2023-04-11. Review status: criteria provided, single submitter. Criteria: ACMG Guidelines, 2015. Collection method: clinical testing. Allele origin: germline. Affected: no.

Women's Health and Genetics/Laboratory Corporation of America, LabCorp
Classification: Uncertain significance. Last evaluated: 2019-11-29. Review status: criteria provided, single submitter. Criteria: LabCorp Variant Classification Summary - May 2015. Collection method: clinical testing. Allele origin: germline.
Comment: Variant summary: RIT1 c.589T>C (p.Ser197Pro) results in a non-conservative amino acid change in the encoded protein sequence. Four of five in-silico tools predict a benign effect of the variant on protein function. The variant was absent in 251480 control chromosomes (gnomAD). The available data on variant occurrences in the general population are insufficient to allow any conclusion about variant significance. To our knowledge, no occurrence of c.589T>C in individuals affected with Noonan Syndrome and Related Conditions and no experimental evidence demonstrating its impact on protein function have been reported. No clinical diagnostic laboratories have submitted clinical-significance assessments for this variant to ClinVar after 2014. Based on the evidence outlined above, the variant was classified as uncertain significance.